The following is an entry in ClinVar:

NM_022367.4(SEMA4A):c.2128C>G (p.Leu710Val)

Gene: SEMA4A (semaphorin 4A; plus strand). Cytogenetic location: 1q22.
Variant type: single nucleotide variant.
Coding change: c.2128C>G on transcript NM_022367.4 (MANE Select); coding-DNA position 2128, C replaced by G.
Protein change: p.Leu710Val; replaces leucine 710 with valine.
Molecular consequence: missense variant.
Genome position (GRCh38, 1-based): chr1:156,176,839, C>G. VCF-style: chr1-156176839-C-G. GRCh37 (hg19) VCF-style: chr1-156146630-C-G.
Other names: c.2128C>G, p.Leu710Val (NM_001193300.2, NM_001193301.2, NM_001370567.1); c.1732C>G, p.Leu578Val (NM_001193302.2); c.1831C>G, p.Leu611Val (NM_001370568.1); c.1621C>G, p.Leu541Val (NM_001370569.1, NM_001370571.1); short protein forms L541V, L578V, L611V, L710V.
Identifiers: ClinVar variation 3603904 (VCV003603904.3).

ClinVar aggregate classification (germline): Uncertain significance. Review status: criteria provided, multiple submitters, no conflicts (2 of 4 stars). 2 submissions from 2 submitters: Uncertain significance (2). Last evaluated 2024-11-27.

gnomAD v4.1: 2 of 1,614,236 alleles (0.00012%); highest among the groups gnomAD compares: Admixed American, 0.0033%; no homozygotes.

Submissions (2):

Labcorp Genetics (formerly Invitae), Labcorp
Classification: Uncertain significance. Last evaluated: 2024-11-27. Review status: criteria provided, single submitter. Criteria: Invitae Variant Classification Sherloc (09022015). Collection method: clinical testing. Allele origin: germline.
Comment: This sequence change replaces leucine, which is neutral and non-polar, with valine, which is neutral and non-polar, at codon 710 of the SEMA4A protein (p.Leu710Val). This variant is present in population databases (no rsID available, gnomAD 0.003%). This variant has not been reported in the literature in individuals affected with SEMA4A-related conditions. An algorithm developed to predict the effect of missense changes on protein structure and function (PolyPhen-2) suggests that this variant is likely to be disruptive. In summary, the available evidence is currently insufficient to determine the role of this variant in disease. Therefore, it has been classified as a Variant of Uncertain Significance.

Blueprint Genetics
Classification: Uncertain significance. Last evaluated: 2022-02-03. Review status: criteria provided, single submitter. Criteria: ACMG Guidelines, 2015. Collection method: clinical testing. Allele origin: germline.